The following is an entry in ClinVar:

ClinVar aggregate classification (germline): Uncertain significance. Review status: criteria provided, single submitter (1 of 4 stars). 2 submissions from 2 submitters: Uncertain significance (1). 1 of the submissions does not count toward it. Last evaluated 2025-06-24.

Conditions:
Inborn genetic diseases. Identifiers: MedGen C0950123, MeSH D030342.
PKD1-related disorder. Also called: PKD1-related condition.

gnomAD v4.1: 39 of 1,610,022 alleles (0.0024%); highest among the groups gnomAD compares: African/African-American, 0.04%; no homozygotes.

Submissions (2):

Ambry Genetics
Classification: Uncertain significance for Inborn genetic diseases. Last evaluated: 2025-06-24. Review status: criteria provided, single submitter. Criteria: Ambry Variant Classification Scheme 2023. Collection method: clinical testing. Allele origin: germline.

PreventionGenetics, part of Exact Sciences
Classification: Uncertain significance for PKD1-related condition. Last evaluated: 2024-03-13. Review status: no assertion criteria provided. Collection method: clinical testing. Allele origin: germline. Not counted in ClinVar's aggregate classification.
Comment: The PKD1 c.8947G>T variant is predicted to result in the amino acid substitution p.Gly2983Trp. To our knowledge, this variant has not been reported in the literature. This variant is reported in 0.033% of alleles in individuals of African descent in gnomAD. The p.Gly2983 residue is weakly conserved. Although we suspect that this variant may be benign, at this time, the clinical significance of this variant is uncertain due to the absence of conclusive functional and genetic evidence.

NM_001009944.3(PKD1):c.8947G>T (p.Gly2983Trp)

Gene: PKD1 (polycystin 1, transient receptor potential channel interacting; minus strand). Cytogenetic location: 16p13.3.
Variant type: single nucleotide variant.
Coding change: c.8947G>T on transcript NM_001009944.3 (MANE Select); coding-DNA position 8947, G replaced by T.
Protein change: p.Gly2983Trp; replaces glycine 2983 with tryptophan.
Molecular consequence: missense variant.
Genome position (GRCh38, 1-based): chr16:2,102,815, C>A on the plus strand (G>T on the coding strand, the complement: PKD1 is on the minus strand). VCF-style: chr16-2102815-C-A. GRCh37 (hg19) VCF-style: chr16-2152816-C-A.
Other names: c.8947G>T, p.Gly2983Trp (NM_000296.4); c.8947G>T (NM_000296.3); short protein forms G2983W.
Identifiers: ClinVar variation 3352468 (VCV003352468.2).